The following is an entry in ClinVar:

ClinVar aggregate classification (germline): Conflicting classifications of pathogenicity. Review status: criteria provided, conflicting classifications (1 of 4 stars). 4 submissions from 4 submitters: Uncertain significance (3); Likely benign (1). Last evaluated 2024-10-26.

Conditions:
Retinal dystrophy. Also called: Inherited retinal dystrophy. Identifiers: Orphanet 71862, MedGen C0854723, MeSH D058499, MONDO:0019118, HP:0000556.
Retinitis pigmentosa 84 (RP84). Identifiers: MedGen C4748725, MONDO:0032604, OMIM 618220.

Allele frequency attached by ClinVar (database versions not stated): 1000 Genomes Project 0.00020; 1000 Genomes Project 30x 0.00031; gnomAD exomes 0.00078 and 0.00149; ExAC 0.00088; gnomAD 0.00089 and 0.00094; TOPMed 0.00095; ESP Exome Variant Server 0.00131.
gnomAD v4.1: 2,324 of 1,614,064 alleles (0.14%); highest among the groups gnomAD compares: Non-Finnish European, 0.18%; 3 homozygotes.

Submissions (4):

Blueprint Genetics
Classification: Likely benign. Last evaluated: 2024-10-26. Review status: criteria provided, single submitter. Criteria: ACMG Guidelines, 2015. Collection method: clinical testing. Allele origin: germline.

Institute of Human Genetics, Univ. Regensburg, Univ. Regensburg
Classification: Uncertain significance for Retinal dystrophy. Last evaluated: 2023-01-01. Review status: criteria provided, single submitter. Criteria: ACMG Guidelines, 2015. Collection method: clinical testing. Allele origin: germline. Affected: yes.

Labcorp Genetics (formerly Invitae), Labcorp
Classification: Uncertain significance. Last evaluated: 2022-10-25. Review status: criteria provided, single submitter. Criteria: Invitae Variant Classification Sherloc (09022015). Collection method: clinical testing. Allele origin: germline.
Comment: This sequence change replaces aspartic acid, which is acidic and polar, with asparagine, which is neutral and polar, at codon 19 of the DHX38 protein (p.Asp19Asn). This variant is present in population databases (rs145829337, gnomAD 0.2%), and has an allele count higher than expected for a pathogenic variant. This variant has not been reported in the literature in individuals affected with DHX38-related conditions. ClinVar contains an entry for this variant (Variation ID: 858580). Algorithms developed to predict the effect of missense changes on protein structure and function are either unavailable or do not agree on the potential impact of this missense change (SIFT: "Deleterious"; PolyPhen-2: "Benign"; Align-GVGD: "Class C0"). In summary, the available evidence is currently insufficient to determine the role of this variant in disease. Therefore, it has been classified as a Variant of Uncertain Significance.

Fulgent Genetics
Classification: Uncertain significance for Retinitis pigmentosa 84. Last evaluated: 2022-03-03. Review status: criteria provided, single submitter. Criteria: ACMG Guidelines, 2015. Collection method: clinical testing. Allele origin: unknown.

Literature cited by the submitters: PubMed 30653986 (cited by Institute of Human Genetics, Univ. Regensburg, Univ. Regensburg).

NM_014003.4(DHX38):c.55G>A (p.Asp19Asn)

Gene: DHX38 (DEAH-box helicase 38; plus strand). Cytogenetic location: 16q22.2.
Variant type: single nucleotide variant.
Coding change: c.55G>A on transcript NM_014003.4 (MANE Select); coding-DNA position 55, G replaced by A.
Protein change: p.Asp19Asn; replaces aspartic acid 19 with asparagine.
Molecular consequence: missense variant.
Genome position (GRCh38, 1-based): chr16:72,096,212, G>A. VCF-style: chr16-72096212-G-A. GRCh37 (hg19) VCF-style: chr16-72130111-G-A.
Other names: short protein forms D19N.
Identifiers: ClinVar variation 858580 (VCV000858580.8), dbSNP rs145829337, ClinGen allele CA8159861.
Genomic context (GRCh38, chr16:72,096,212, plus strand): 5'-CCTGTGATGGGGGACACCAGTGAGGATGCCTCGATCCATCGATTGGAAGGCACTGATCTG[G>A]ACTGTCAGGTTGGTGGTCTTATTTGCAAGTCCAAAAGTGCGGCCAGCGAGCAGCATGTCT-3'
Protein context (NP_054722.2, residues 9-29): SIHRLEGTDL[Asp19Asn]CQVGGLICKS